The following is an entry in ClinVar:

NM_001267550.2(TTN):c.101056_101060delinsATGA (p.Val33686fs)

Genes: TTN (titin; minus strand), TTN-AS1 (TTN antisense RNA 1; plus strand). Cytogenetic location: 2q31.2.
Variant type: Indel.
Coding change: c.101056_101060delinsATGA on transcript NM_001267550.2 (MANE Select); coding-DNA positions 101056 to 101060, GTGGC replaced by ATGA.
Protein change: p.Val33686fs; shifts the reading frame from valine 33686.
Molecular consequence: frameshift variant.
Genome position (GRCh38, 1-based): chr2:178,535,555-178,535,559, GCCAC replaced by TCAT on the plus strand (GTGGC replaced by ATGA on the coding strand, the reverse complement: TTN is on the minus strand). VCF-style: chr2-178535555-GCCAC-TCAT. GRCh37 (hg19) VCF-style: chr2-179400282-GCCAC-TCAT.
Other names: c.96133_96137delinsATGA, p.Val32045fs (NM_001256850.1); c.73861_73865delinsATGA, p.Val24621fs (NM_003319.4); c.93352_93356delinsATGA, p.Val31118fs (NM_133378.4); c.74236_74240delinsATGA, p.Val24746fs (NM_133432.3); c.74437_74441delinsATGA, p.Val24813fs (NM_133437.4); c.73861_73865delGTGGCinsATGA (NM_003319.4); short protein forms V24621fs, V31118fs, V24813fs, V32045fs, V24746fs, V33686fs.
Identifiers: ClinVar variation 3330056 (VCV003330056.1).

ClinVar aggregate classification (germline): Likely pathogenic (1 of 4 stars; one submission).

Conditions:
Cardiovascular phenotype. Identifiers: MedGen CN230736.

Submission:

Ambry Genetics
Classification: Likely pathogenic for Cardiovascular phenotype. Last evaluated: 2024-03-20. Review status: criteria provided, single submitter. Criteria: Ambry Variant Classification Scheme 2023. Collection method: clinical testing. Allele origin: germline.
Comment: The c.73861_73865delGTGGCinsATGA variant, located in coding exon 185 of the TTN gene, results from the deletion of 5 nucleotides and insertion of 4 nucleotides causing a translational frameshift with a predicted alternate stop codon (p.V24621Mfs*23). This exon is located in the M-band region of the N2-B isoform of the titin protein and is constitutively expressed in TTN transcripts (percent spliced in or PSI 100%). This variant is considered to be rare based on population cohorts in the Genome Aggregation Database (gnomAD). This alteration is expected to result in loss of function by premature protein truncation or nonsense-mediated mRNA decay. While truncating variants in TTN are present in 1-3% of the general population, truncating variants in the M-band have been reported in association with autosomal recessive titinopathies, primarily presenting with skeletal myopathy phenotypes (Ceyhan-Birsoy O et al. Neurology. 2013 Oct 1;81(14):1205-14; De Cid R et al. Neurology. 2015;85(24):2126-35). In addition, regardless of their position, TTN truncating variants encoded in constitutive exons (PSI >90%) have been found to be significantly associated with dilated cardiomyopathy (DCM), though truncating variants in the A-band are the most common cause of DCM (Herman DS et al. N. Engl. J. Med., 2012 Feb;366:619-28; Roberts AM et al. Sci Transl Med, 2015 Jan;7:270ra6; Schafer S et al. Nat. Genet., 2017 01;49:46-53). Based on the majority of available evidence to date, this variant is likely to be pathogenic in association with autosomal recessive titinopathy; however, the clinical significance of this alteration with respect to cardiomyopathy remains unclear.